The following is an entry in ClinVar:

NM_007186.6(CEP250):c.6446A>G (p.Gln2149Arg)

Gene: CEP250 (centrosomal protein 250; plus strand). Cytogenetic location: 20q11.22.
Variant type: single nucleotide variant.
Coding change: c.6446A>G on transcript NM_007186.6 (MANE Select); coding-DNA position 6446, A replaced by G.
Protein change: p.Gln2149Arg; replaces glutamine 2149 with arginine.
Molecular consequence: missense variant.
Genome position (GRCh38, 1-based): chr20:35,504,815, A>G. VCF-style: chr20-35504815-A-G. GRCh37 (hg19) VCF-style: chr20-34092643-A-G.
Other names: c.4550A>G, p.Gln1517Arg (NM_001318219.1); short protein forms Q1517R, Q2149R.
Identifiers: ClinVar variation 855044 (VCV000855044.7), dbSNP rs2064137882, ClinGen allele CA408757225.

ClinVar aggregate classification (germline): Uncertain significance (1 of 4 stars; one submission).

Allele frequency attached by ClinVar (database versions not stated): TOPMed below 0.00001; gnomAD exomes 0.00001.
gnomAD v4.1: 15 of 1,613,380 alleles (0.00093%); highest among the groups gnomAD compares: Non-Finnish European, 0.0013%; no homozygotes.

Submission:

Labcorp Genetics (formerly Invitae), Labcorp
Classification: Uncertain significance. Last evaluated: 2021-10-18. Review status: criteria provided, single submitter. Criteria: Invitae Variant Classification Sherloc (09022015). Collection method: clinical testing. Allele origin: germline.
Comment: In summary, the available evidence is currently insufficient to determine the role of this variant in disease. Therefore, it has been classified as a Variant of Uncertain Significance. Algorithms developed to predict the effect of missense changes on protein structure and function (SIFT, PolyPhen-2, Align-GVGD) all suggest that this variant is likely to be tolerated. This variant has not been reported in the literature in individuals affected with CEP250-related conditions. This variant is not present in population databases (ExAC no frequency). This sequence change replaces glutamine with arginine at codon 2149 of the CEP250 protein (p.Gln2149Arg). The glutamine residue is moderately conserved and there is a small physicochemical difference between glutamine and arginine.